The following is an entry in ClinVar:

ClinVar aggregate classification (germline): Uncertain significance (1 of 4 stars; one submission).

Conditions:
CHARGE syndrome (CHARGE). Also called: Hittner Hirsch Kreh syndrome; CHARGE ASSOCIATION--COLOBOMA, HEART ANOMALY, CHOANAL ATRESIA, RETARDATION, GENITAL AND EAR ANOMALIES; Coloboma, heart anomaly, choanal atresia, retardation, genital and ear anomalies; CHARGE association; Hall-Hittner syndrome. Identifiers: Orphanet 138, MedGen C0265354, MONDO:0008965.

Allele frequency attached by ClinVar (database versions not stated): gnomAD 0.00001.
gnomAD v4.1: 2 of 1,613,282 alleles (0.00012%); highest among the groups gnomAD compares: Admixed American, 0.0033%; no homozygotes.

Submission:

Labcorp Genetics (formerly Invitae), Labcorp
Classification: Uncertain significance for CHARGE syndrome. Last evaluated: 2023-11-27. Review status: criteria provided, single submitter. Criteria: Invitae Variant Classification Sherloc (09022015). Collection method: clinical testing. Allele origin: germline.
Comment: This sequence change replaces aspartic acid, which is acidic and polar, with glutamic acid, which is acidic and polar, at codon 154 of the CHD7 protein (p.Asp154Glu). This variant is not present in population databases (gnomAD no frequency). This variant has not been reported in the literature in individuals affected with CHD7-related conditions. ClinVar contains an entry for this variant (Variation ID: 1976481). Advanced modeling of protein sequence and biophysical properties (such as structural, functional, and spatial information, amino acid conservation, physicochemical variation, residue mobility, and thermodynamic stability) performed at Invitae indicates that this missense variant is not expected to disrupt CHD7 protein function with a negative predictive value of 95%. In summary, the available evidence is currently insufficient to determine the role of this variant in disease. Therefore, it has been classified as a Variant of Uncertain Significance.

NM_017780.4(CHD7):c.462C>G (p.Asp154Glu)

Gene: CHD7 (chromodomain helicase DNA binding protein 7; plus strand). Cytogenetic location: 8q12.2.
Variant type: single nucleotide variant.
Coding change: c.462C>G on transcript NM_017780.4 (MANE Select); coding-DNA position 462, C replaced by G.
Protein change: p.Asp154Glu; replaces aspartic acid 154 with glutamic acid.
Molecular consequence: missense variant.
Genome position (GRCh38, 1-based): chr8:60,741,894, C>G. VCF-style: chr8-60741894-C-G. GRCh37 (hg19) VCF-style: chr8-61654453-C-G.
Other names: c.462C>G, p.Asp154Glu (NM_001316690.1); short protein forms D154E.
Identifiers: ClinVar variation 1976481 (VCV001976481.5), dbSNP rs1809042226, ClinGen allele CA371297465.